The following is an entry in ClinVar:

ClinVar aggregate classification (germline): Uncertain significance (1 of 4 stars; one submission).

Allele frequency attached by ClinVar (database versions not stated): ExAC 0.00006; gnomAD 0.00002; gnomAD exomes 0.00002; TOPMed 0.00003.

Submission:

Ambry Genetics
Classification: Uncertain significance. Last evaluated: 2026-07-29. Review status: criteria provided, single submitter. Criteria: Ambry Variant Classification Scheme 2023. Collection method: clinical testing. Allele origin: germline.
Comment: The c.1045C>T (p.R349W) alteration is located in exon 5 (coding exon 4) of the HS6ST2 gene. This alteration results from a C to T substitution at nucleotide position 1045, causing the arginine (R) at amino acid position 349 to be replaced by a tryptophan (W). Based on data from gnomAD, the T allele has an overall frequency of 0.004% (8/199354) total alleles studied. The highest observed frequency was 0.019% (1/5184) of Other alleles. Based on insufficient or conflicting evidence, the clinical significance of this alteration remains unclear.

NM_001394073.1(HS6ST2):c.1045C>T (p.Arg349Trp)

Genes: HS6ST2 (heparan sulfate 6-O-sulfotransferase 2; minus strand), HS6ST2-AS1 (HS6ST2 antisense RNA 1; plus strand). Cytogenetic location: Xq26.2.
Variant type: single nucleotide variant.
Coding change: c.1045C>T on transcript NM_001394073.1 (MANE Select); coding-DNA position 1045, C replaced by T.
Protein change: p.Arg349Trp; replaces arginine 349 with tryptophan.
Molecular consequence: missense variant. On other transcripts: intron variant (2).
Genome position (GRCh38, 1-based): chrX:132,669,135, G>A on the plus strand (C>T on the coding strand, the complement: HS6ST2 is on the minus strand). VCF-style: chrX-132669135-G-A. GRCh37 (hg19) VCF-style: chrX-131803163-G-A.
Other names: c.1045C>T, p.Arg349Trp (NM_001077188.2); c.948-40042C>T (NM_147175.4, NM_001394074.1); short protein forms R349W.
Identifiers: ClinVar variation 3107040 (VCV003107040.2), dbSNP rs761023821, ClinGen allele CA10519546.